The following is an entry in ClinVar:

NM_001364905.1(LRBA):c.8032C>T (p.Pro2678Ser)

Gene: LRBA (LPS responsive beige-like anchor protein; minus strand). Cytogenetic location: 4q31.3.
Variant type: single nucleotide variant.
Coding change: c.8032C>T on transcript NM_001364905.1 (MANE Select); coding-DNA position 8032, C replaced by T.
Protein change: p.Pro2678Ser; replaces proline 2678 with serine.
Molecular consequence: missense variant.
Genome position (GRCh38, 1-based): chr4:150,286,020, G>A on the plus strand (C>T on the coding strand, the complement: LRBA is on the minus strand). VCF-style: chr4-150286020-G-A. GRCh37 (hg19) VCF-style: chr4-151207172-G-A.
Other names: c.8029C>T, p.Pro2677Ser (NM_001199282.3); c.8047C>T, p.Pro2683Ser (NM_001367550.1); c.8065C>T, p.Pro2689Ser (NM_006726.5); short protein forms P2677S, P2678S, P2683S, P2689S.
Identifiers: ClinVar variation 1378029 (VCV001378029.7), dbSNP rs1277670089, ClinGen allele CA358441729.
Genomic context (GRCh38, chr4:150,286,020, plus strand): 5'-GCTCCGCACACACCGCAGCACATGTGACCTCATAGTCATGGCCGGTCAAAATGGCCCGAG[G>A]AGCAGCAGTCTCACCTTTAGGAAAAAACAGATAAAAAGAACAAATCAATTCAATTTCATG-3'
Protein context (NP_001351834.1, residues 2668-2688): GDNPGSETAA[Pro2678Ser]RAILTGHDYE

ClinVar aggregate classification (germline): Uncertain significance (1 of 4 stars; one submission).

Conditions:
Combined immunodeficiency due to LRBA deficiency. Also called: Common variable immunodeficiency 8, with autoimmunity. Identifiers: Orphanet 445018, MedGen C3553512, MONDO:0013863, OMIM 614700.

Allele frequency attached by ClinVar (database versions not stated): TOPMed below 0.00001; gnomAD exomes 0.00001.
gnomAD v4.1: 17 of 1,577,728 alleles (0.0011%); highest among the groups gnomAD compares: Non-Finnish European, 0.0015%; no homozygotes.

Submission:

Labcorp Genetics (formerly Invitae), Labcorp
Classification: Uncertain significance for Combined immunodeficiency due to LRBA deficiency. Last evaluated: 2021-01-14. Review status: criteria provided, single submitter. Criteria: Invitae Variant Classification Sherloc (09022015). Collection method: clinical testing. Allele origin: germline.
Comment: In summary, the available evidence is currently insufficient to determine the role of this variant in disease. Therefore, it has been classified as a Variant of Uncertain Significance. Algorithms developed to predict the effect of missense changes on protein structure and function are either unavailable or do not agree on the potential impact of this missense change (SIFT: "Deleterious"; PolyPhen-2: "Probably Damaging"; Align-GVGD: "Class C0"). This sequence change replaces proline with serine at codon 2689 of the LRBA protein (p.Pro2689Ser). The proline residue is highly conserved and there is a moderate physicochemical difference between proline and serine. This variant is not present in population databases (ExAC no frequency). This variant has not been reported in the literature in individuals with LRBA-related conditions.